The following is an entry in ClinVar:

NM_001267550.2(TTN):c.105100G>C (p.Gly35034Arg)

Genes: TTN (titin; minus strand), TTN-AS1 (TTN antisense RNA 1; plus strand). Cytogenetic location: 2q31.2.
Variant type: single nucleotide variant.
Coding change: c.105100G>C on transcript NM_001267550.2 (MANE Select); coding-DNA position 105100, G replaced by C.
Protein change: p.Gly35034Arg; replaces glycine 35034 with arginine.
Molecular consequence: missense variant.
Genome position (GRCh38, 1-based): chr2:178,531,515, C>G on the plus strand (G>C on the coding strand, the complement: TTN is on the minus strand). VCF-style: chr2-178531515-C-G. GRCh37 (hg19) VCF-style: chr2-179396242-C-G.
Other names: c.100177G>C, p.Gly33393Arg (NM_001256850.1); c.77905G>C, p.Gly25969Arg (NM_003319.4); c.97396G>C, p.Gly32466Arg (NM_133378.4); c.78280G>C, p.Gly26094Arg (NM_133432.3); c.78481G>C, p.Gly26161Arg (NM_133437.4); short protein forms G25969R, G26094R, G26161R, G32466R, G33393R, G35034R.
Identifiers: ClinVar variation 3760418 (VCV003760418.2).

ClinVar aggregate classification (germline): Uncertain significance (1 of 4 stars; one submission).

Conditions:
Autosomal recessive limb-girdle muscular dystrophy type 2J (LGMDR10). Also called: Limb-girdle muscular dystrophy, type 2J; MUSCULAR DYSTROPHY, LIMB-GIRDLE, AUTOSOMAL RECESSIVE 10. Identifiers: Orphanet 140922, MedGen C1837342, MONDO:0012127, OMIM 608807.
Dilated cardiomyopathy 1G (CMD1G). Identifiers: Orphanet 154, MedGen C1858763, MONDO:0011400, OMIM 604145.

Submission:

Labcorp Genetics (formerly Invitae), Labcorp
Classification: Uncertain significance for Dilated cardiomyopathy 1G; Autosomal recessive limb-girdle muscular dystrophy type 2J. Last evaluated: 2025-01-23. Review status: criteria provided, single submitter. Criteria: Invitae Variant Classification Sherloc (09022015). Collection method: clinical testing. Allele origin: germline.
Comment: This sequence change replaces glycine, which is neutral and non-polar, with arginine, which is basic and polar, at codon 35034 of the TTN protein (p.Gly35034Arg). This variant is not present in population databases (gnomAD no frequency). This variant has not been reported in the literature in individuals affected with TTN-related conditions. Experimental studies and prediction algorithms are not available or were not evaluated, and the functional significance of this variant is currently unknown. This variant is located in the M band of TTN (PMID: 25589632). Non-truncating variants in this region may be relevant for neuromuscular disorders, but have not been definitively shown to cause cardiomyopathy (PMID: 23975875). In summary, the available evidence is currently insufficient to determine the role of this variant in disease. Therefore, it has been classified as a Variant of Uncertain Significance.

Literature cited by the submitters: PubMed 25589632; PubMed 23975875.